The following is an entry in ClinVar:

NM_004655.4(AXIN2):c.142C>A (p.Pro48Thr)

Gene: AXIN2 (axin 2; minus strand). Cytogenetic location: 17q24.1.
Variant type: single nucleotide variant.
Coding change: c.142C>A on transcript NM_004655.4 (MANE Select); coding-DNA position 142, C replaced by A.
Protein change: p.Pro48Thr; replaces proline 48 with threonine.
Molecular consequence: missense variant.
Genome position (GRCh38, 1-based): chr17:65,558,479, G>T on the plus strand (C>A on the coding strand, the complement: AXIN2 is on the minus strand). VCF-style: chr17-65558479-G-T. GRCh37 (hg19) VCF-style: chr17-63554597-G-T.
Other names: c.142C>A, p.Pro48Thr (NM_001363813.1); short protein forms P48T.
Identifiers: ClinVar variation 5032526 (VCV005032526.1).

ClinVar aggregate classification (germline): Uncertain significance (1 of 4 stars; one submission).

Conditions:
Hereditary cancer-predisposing syndrome. Also called: Neoplastic Syndromes, Hereditary; Tumor predisposition; Hereditary neoplastic syndrome; Hereditary Cancer Syndrome. Identifiers: Orphanet 140162, MedGen C0027672, MeSH D009386, MONDO:0015356.

Submission:

Ambry Genetics
Classification: Uncertain significance for Hereditary cancer-predisposing syndrome. Last evaluated: 2026-07-02. Review status: criteria provided, single submitter. Criteria: Ambry Variant Classification Scheme 2023. Collection method: clinical testing. Allele origin: germline.
Comment: The p.P48T variant (also known as c.142C>A), located in coding exon 1 of the AXIN2 gene, results from a C to A substitution at nucleotide position 142. The proline at codon 48 is replaced by threonine, an amino acid with highly similar properties. This amino acid position is conserved. In addition, this alteration is predicted to be tolerated by in silico analysis. Based on the available evidence, the clinical significance of this variant remains unclear.